The following is an entry in ClinVar:

ClinVar aggregate classification (germline): Uncertain significance (1 of 4 stars; one submission).

Allele frequency attached by ClinVar (database versions not stated): gnomAD exomes below 0.00001.
gnomAD v4.1: 1 of 1,612,516 alleles (0.000062%); highest among the groups gnomAD compares: Admixed American, 0.0017%; no homozygotes.

Submission:

Labcorp Genetics (formerly Invitae), Labcorp
Classification: Uncertain significance. Last evaluated: 2022-03-19. Review status: criteria provided, single submitter. Criteria: Invitae Variant Classification Sherloc (09022015). Collection method: clinical testing. Allele origin: germline.
Comment: In summary, the available evidence is currently insufficient to determine the role of this variant in disease. Therefore, it has been classified as a Variant of Uncertain Significance. Variants that disrupt the consensus splice site are a relatively common cause of aberrant splicing (PMID: 17576681, 9536098). Algorithms developed to predict the effect of sequence changes on RNA splicing suggest that this variant may disrupt the consensus splice site. ClinVar contains an entry for this variant (Variation ID: 1023905). This variant has not been reported in the literature in individuals affected with ARMC9-related conditions. This variant is not present in population databases (gnomAD no frequency). This sequence change falls in intron 18 of the ARMC9 gene. It does not directly change the encoded amino acid sequence of the ARMC9 protein. It affects a nucleotide within the consensus splice site.

Literature cited by the submitters: PubMed 17576681; PubMed 9536098.

NM_001352754.2(ARMC9):c.1773+4A>G

Gene: ARMC9 (armadillo repeat containing 9; plus strand). Cytogenetic location: 2q37.1.
Variant type: single nucleotide variant.
Coding change: c.1773+4A>G on transcript NM_001352754.2 (MANE Select); 4 bases into the intron after coding-DNA position 1773, A replaced by G.
Molecular consequence: intron variant.
Genome position (GRCh38, 1-based): chr2:231,296,257, A>G. VCF-style: chr2-231296257-A-G. GRCh37 (hg19) VCF-style: chr2-232160970-A-G.
Other names: c.1773+4A>G (NM_001271466.4, NM_001352755.2, NM_001352756.2 and 3 more transcripts); c.1674+4A>G (NM_001352757.2, NM_001352758.2).
Identifiers: ClinVar variation 1023905 (VCV001023905.8), dbSNP rs2041358400, ClinGen allele CA1334715424.